The following is an entry in ClinVar:

ClinVar aggregate classification (germline): Uncertain significance (1 of 4 stars; one submission).

Submission:

Women's Health and Genetics/Laboratory Corporation of America, LabCorp
Classification: Uncertain significance. Last evaluated: 2025-09-12. Review status: criteria provided, single submitter. Criteria: LabCorp Variant Classification Summary - May 2015. Collection method: clinical testing. Allele origin: germline.
Comment: Variant summary: CYP1B1 c.1411A>T (p.Ile471Phe) results in a non-conservative amino acid change in the encoded protein sequence. Algorithms developed to predict the effect of missense changes on protein structure and function all suggest that this variant is likely to be disruptive. The variant was absent in 251478 control chromosomes. c.1411A>T has been observed in at least one compound heterozygous individual affected with Primary Congenital Glaucoma (e.g. Ordonez-Labastida_2022). These data do not allow any conclusion about variant significance. A different variant affecting the same codon has been classified as likely pathogenic/pathogenic by our lab (c.1412T>G, p.Ile471Ser), supporting the critical relevance of codon 471 to CYP1B1 protein function. To our knowledge, no experimental evidence demonstrating an impact on protein function has been reported. No submitters have cited clinical-significance assessments for this variant to ClinVar. Based on the evidence outlined above, the variant was classified as VUS-possibly pathogenic.

Literature cited by the submitters: PubMed 36087940.

NM_000104.4(CYP1B1):c.1411A>T (p.Ile471Phe)

Genes: CYP1B1 (cytochrome P450 family 1 subfamily B member 1; minus strand), LOC128772254 (melanoma risk locus-associated MPRA allelic enhancer 2:38298139; plus strand). Cytogenetic location: 2p22.2.
Variant type: single nucleotide variant.
Coding change: c.1411A>T on transcript NM_000104.4 (MANE Select); coding-DNA position 1411, A replaced by T.
Protein change: p.Ile471Phe; replaces isoleucine 471 with phenylalanine.
Molecular consequence: missense variant.
Genome position (GRCh38, 1-based): chr2:38,070,943, T>A on the plus strand (A>T on the coding strand, the complement: CYP1B1 is on the minus strand). VCF-style: chr2-38070943-T-A. GRCh37 (hg19) VCF-style: chr2-38298086-T-A.
Other names: short protein forms I471F.
Identifiers: ClinVar variation 4535549 (VCV004535549.1).